The following is an entry in ClinVar:

ClinVar aggregate classification (germline): Likely benign. Review status: criteria provided, multiple submitters, no conflicts (2 of 4 stars). 2 submissions from 2 submitters: Likely benign (2). Last evaluated 2018-01-13.

Conditions:
Deficiency of UDPglucose-hexose-1-phosphate uridylyltransferase. Also called: GALACTOSE-1-PHOSPHATE URIDYLYLTRANSFERASE DEFICIENCY; GALT deficiency; Galactosemia, classic; Transferase Deficiency Galactosemia; GALACTOSEMIA I. Identifiers: Orphanet 352, Orphanet 79239, MedGen C0268151, MONDO:0009258, OMIM 230400.

Allele frequency attached by ClinVar (database versions not stated): gnomAD exomes 0.00062; gnomAD 0.00563 and 0.00597; TOPMed 0.00618; 1000 Genomes Project 0.00779; 1000 Genomes Project 30x 0.00796.

Submissions (2):

Illumina Laboratory Services, Illumina
Classification: Likely benign for Deficiency of UDPglucose-hexose-1-phosphate uridylyltransferase. Last evaluated: 2018-01-13. Review status: criteria provided, single submitter. Criteria: ICSL Variant Classification Criteria 13 December 2019. Collection method: clinical testing. Allele origin: germline.
Comment: This variant was observed in the ICSL laboratory as part of a predisposition screen in an ostensibly healthy population. It had not been previously curated by ICSL or reported in the Human Gene Mutation Database (HGMD: prior to June 1st, 2018), and was therefore a candidate for classification through an automated scoring system. Utilizing variant allele frequency, disease prevalence and penetrance estimates, and inheritance mode, an automated score was calculated to assess if this variant is too frequent to cause the disease. Based on the score and internal cut-off values, a variant classified as likely benign is not then subjected to further curation. The score for this variant resulted in a classification of likely benign for this disease.

Breakthrough Genomics
Classification: Likely benign. Review status: criteria provided, single submitter. Criteria: ACMG Guidelines, 2015. Collection method: not provided. Allele origin: germline. Inheritance: Autosomal recessive inheritance. Affected: yes.

NM_000155.4(GALT):c.*148T>C

Gene: GALT (galactose-1-phosphate uridylyltransferase; plus strand). Cytogenetic location: 9p13.3.
Variant type: single nucleotide variant.
Coding change: c.*148T>C on transcript NM_000155.4 (MANE Select); 148 bases downstream of the stop codon, T replaced by C.
Molecular consequence: 3 prime UTR variant.
Genome position (GRCh38, 1-based): chr9:34,650,597, T>C. VCF-style: chr9-34650597-T-C. GRCh37 (hg19) VCF-style: chr9-34650594-T-C.
Other names: c.*148T>C (NM_001258332.2).
Identifiers: ClinVar variation 912606 (VCV000912606.5), dbSNP rs115985083, ClinGen allele CA15596519.